The following is an entry in ClinVar:

ClinVar aggregate classification (germline): Likely benign. Review status: criteria provided, multiple submitters, no conflicts (2 of 4 stars). 3 submissions from 3 submitters: Likely benign (3). Last evaluated 2025-03-25.

Conditions:
Emery-Dreifuss muscular dystrophy 5, autosomal dominant (EDMD5). Also called: EMERY-DREIFUSS MUSCULAR DYSTROPHY 5. Identifiers: Orphanet 261, MedGen C2751805, MONDO:0013072, OMIM 612999.

Allele frequency attached by ClinVar (database versions not stated): TOPMed 0.00001; gnomAD exomes 0.00003.
gnomAD v4.1: 45 of 1,613,002 alleles (0.0028%); highest among the groups gnomAD compares: East Asian, 0.022%; no homozygotes.

Submissions (3):

Labcorp Genetics (formerly Invitae), Labcorp
Classification: Likely benign for Emery-Dreifuss muscular dystrophy 5, autosomal dominant. Last evaluated: 2025-03-25. Review status: criteria provided, single submitter. Criteria: Invitae Variant Classification Sherloc (09022015). Collection method: clinical testing. Allele origin: germline.

Illumina Laboratory Services, Illumina
Classification: Likely benign for Emery-Dreifuss muscular dystrophy 5, autosomal dominant. Last evaluated: 2018-01-12. Review status: criteria provided, single submitter. Criteria: ICSL Variant Classification Criteria 13 December 2019. Collection method: clinical testing. Allele origin: germline.
Comment: This variant was observed in the ICSL laboratory as part of a predisposition screen in an ostensibly healthy population. It had not been previously curated by ICSL or reported in the Human Gene Mutation Database (HGMD: prior to June 1st, 2018), and was therefore a candidate for classification through an automated scoring system. Utilizing variant allele frequency, disease prevalence and penetrance estimates, and inheritance mode, an automated score was calculated to assess if this variant is too frequent to cause the disease. Based on the score and internal cut-off values, a variant classified as likely benign is not then subjected to further curation. The score for this variant resulted in a classification of likely benign for this disease.

Athena Diagnostics
Classification: Likely benign. Last evaluated: 2017-11-29. Review status: criteria provided, single submitter. Criteria: Athena Diagnostics Criteria. Collection method: clinical testing. Allele origin: germline.

NM_182914.3(SYNE2):c.6330G>A (p.Pro2110=)

Gene: SYNE2 (spectrin repeat containing nuclear envelope protein 2; plus strand). Cytogenetic location: 14q23.2.
Variant type: single nucleotide variant.
Coding change: c.6330G>A on transcript NM_182914.3 (MANE Select); coding-DNA position 6330, G replaced by A.
Protein change: p.Pro2110=; no amino-acid change (proline 2110 retained).
Molecular consequence: synonymous variant.
Genome position (GRCh38, 1-based): chr14:64,026,656, G>A. VCF-style: chr14-64026656-G-A. GRCh37 (hg19) VCF-style: chr14-64493374-G-A.
Other names: c.6330G>A, p.Pro2110= (NM_015180.6).
Identifiers: ClinVar variation 313523 (VCV000313523.8), dbSNP rs779101206, ClinGen allele CA7220677.
Genomic context (GRCh38, chr14:64,026,656, plus strand): 5'-GCCTGAAGGGGATGCCAGAATAGAGACCATCATGAAGCAGGCTGAGAGCAGCGAGGCCCC[G>A]CTGGTTCAGAAGACCCTCACTGACATCAGCAACCAGTGGGACAACACACTCCATTTAGCT-3'
Protein context (NP_878918.2, residues 2100-2120): IMKQAESSEA[Pro2110=]LVQKTLTDIS